The following is an entry in ClinVar:

ClinVar aggregate classification (germline): Conflicting classifications of pathogenicity. Review status: criteria provided, conflicting classifications (1 of 4 stars). 2 submissions from 2 submitters: Uncertain significance (1); Likely benign (1). Last evaluated 2024-08-21.

Conditions:
Hereditary cancer-predisposing syndrome. Also called: Hereditary neoplastic syndrome; Neoplastic Syndromes, Hereditary; Hereditary Cancer Syndrome; Tumor predisposition. Identifiers: Orphanet 140162, MedGen C0027672, MeSH D009386, MONDO:0015356.
Tuberous sclerosis 1 (TSC1). Identifiers: Orphanet 805, MedGen C1854465, MONDO:0008612, OMIM 191100.

Allele frequency attached by ClinVar (database versions not stated): gnomAD 0.00001.
gnomAD v4.1: 1 of 1,614,090 alleles (0.000062%); highest among the groups gnomAD compares: African/African-American, 0.0013%; no homozygotes.

Submissions (2):

Labcorp Genetics (formerly Invitae), Labcorp
Classification: Likely benign for Tuberous sclerosis 1. Last evaluated: 2024-08-21. Review status: criteria provided, single submitter. Criteria: Invitae Variant Classification Sherloc (09022015). Collection method: clinical testing. Allele origin: germline.

Ambry Genetics
Classification: Uncertain significance for Hereditary cancer-predisposing syndrome. Last evaluated: 2024-04-24. Review status: criteria provided, single submitter. Criteria: Ambry Variant Classification Scheme 2023. Collection method: clinical testing. Allele origin: germline.
Comment: The p.S1061G variant (also known as c.3181A>G), located in coding exon 21 of the TSC1 gene, results from an A to G substitution at nucleotide position 3181. The serine at codon 1061 is replaced by glycine, an amino acid with similar properties. This amino acid position is not well conserved in available vertebrate species. In addition, this alteration is predicted to be tolerated by in silico analysis. Since supporting evidence is limited at this time, the clinical significance of this alteration remains unclear.

NM_000368.5(TSC1):c.3181A>G (p.Ser1061Gly)

Gene: TSC1 (TSC complex subunit 1; minus strand). Cytogenetic location: 9q34.13.
Variant type: single nucleotide variant.
Coding change: c.3181A>G on transcript NM_000368.5 (MANE Select); coding-DNA position 3181, A replaced by G.
Protein change: p.Ser1061Gly; replaces serine 1061 with glycine.
Molecular consequence: missense variant.
Genome position (GRCh38, 1-based): chr9:132,896,549, T>C on the plus strand (A>G on the coding strand, the complement: TSC1 is on the minus strand). VCF-style: chr9-132896549-T-C. GRCh37 (hg19) VCF-style: chr9-135771936-T-C.
Other names: c.3178A>G, p.Ser1060Gly (NM_001162426.2); c.3028A>G, p.Ser1010Gly (NM_001162427.2); c.2818A>G, p.Ser940Gly (NM_001362177.2); short protein forms S1061G, S1060G, S1010G, S940G.
Identifiers: ClinVar variation 572664 (VCV000572664.14), dbSNP rs1203493016, ClinGen allele CA375367118.